The following is an entry in ClinVar:

NM_003072.5(SMARCA4):c.1064T>C (p.Ile355Thr)

Gene: SMARCA4 (SWI/SNF related BAF chromatin remodeling complex subunit ATPase 4; plus strand). Cytogenetic location: 19p13.2.
Variant type: single nucleotide variant.
Coding change: c.1064T>C on transcript NM_003072.5 (MANE Select); coding-DNA position 1064, T replaced by C.
Protein change: p.Ile355Thr; replaces isoleucine 355 with threonine.
Molecular consequence: missense variant. On other transcripts: non-coding transcript variant (1).
Genome position (GRCh38, 1-based): chr19:10,987,870, T>C. VCF-style: chr19-10987870-T-C. GRCh37 (hg19) VCF-style: chr19-11098546-T-C.
Other names: c.1064T>C, p.Ile355Thr (NM_001128844.3, NM_001128845.2, NM_001128846.2 and 6 more transcripts); short protein forms I355T.
Identifiers: ClinVar variation 3342977 (VCV003342977.2).

ClinVar aggregate classification (germline): Uncertain significance (1 of 4 stars; one submission).

Submission:

GeneDx
Classification: Uncertain significance. Last evaluated: 2025-07-24. Review status: criteria provided, single submitter. Criteria: GeneDx Variant Classification Process June 2021. Collection method: clinical testing. Allele origin: germline.
Comment: Not observed at significant frequency in large population cohorts (gnomAD); In silico analysis supports that this missense variant has a deleterious effect on protein structure/function; Has not been previously published as pathogenic or benign to our knowledge